The following is an entry in ClinVar:

ClinVar aggregate classification (germline): Uncertain significance. Review status: criteria provided, multiple submitters, no conflicts (2 of 4 stars). 2 submissions from 2 submitters: Uncertain significance (2). Last evaluated 2024-04-25.

Conditions:
Inborn genetic diseases. Identifiers: MedGen C0950123, MeSH D030342.
Charcot-Marie-Tooth disease axonal type 2O. Also called: CHARCOT-MARIE-TOOTH NEUROPATHY, AXONAL, TYPE 2O; CHARCOT-MARIE-TOOTH DISEASE, AXONAL, AUTOSOMAL DOMINANT, TYPE 2O; Charcot-Marie-Tooth Neuropathy Type 2O; Charcot-Marie-Tooth disease, axonal, type 20. Identifiers: Orphanet 284232, MedGen C3280220, MONDO:0013644, OMIM 614228.

gnomAD v4.1: 1 of 1,614,194 alleles (0.000062%); no homozygotes.

Submissions (2):

Labcorp Genetics (formerly Invitae), Labcorp
Classification: Uncertain significance for Charcot-Marie-Tooth disease axonal type 2O. Last evaluated: 2024-04-25. Review status: criteria provided, single submitter. Criteria: Invitae Variant Classification Sherloc (09022015). Collection method: clinical testing. Allele origin: germline.
Comment: This sequence change replaces leucine, which is neutral and non-polar, with valine, which is neutral and non-polar, at codon 2821 of the DYNC1H1 protein (p.Leu2821Val). This variant is not present in population databases (gnomAD no frequency). This variant has not been reported in the literature in individuals affected with DYNC1H1-related conditions. ClinVar contains an entry for this variant (Variation ID: 1024077). Advanced modeling of protein sequence and biophysical properties (such as structural, functional, and spatial information, amino acid conservation, physicochemical variation, residue mobility, and thermodynamic stability) has been performed at Invitae for this missense variant, however the output from this modeling did not meet the statistical confidence thresholds required to predict the impact of this variant on DYNC1H1 protein function. In summary, the available evidence is currently insufficient to determine the role of this variant in disease. Therefore, it has been classified as a Variant of Uncertain Significance.

Ambry Genetics
Classification: Uncertain significance for Inborn genetic diseases. Last evaluated: 2021-05-01. Review status: criteria provided, single submitter. Criteria: Ambry Variant Classification Scheme 2023. Collection method: clinical testing. Allele origin: germline.
Comment: The p.L2821V variant (also known as c.8461C>G), located in coding exon 42 of the DYNC1H1 gene, results from a C to G substitution at nucleotide position 8461. The leucine at codon 2821 is replaced by valine, an amino acid with highly similar properties. This amino acid position is highly conserved in available vertebrate species. In addition, the in silico prediction for this alteration is inconclusive. Since supporting evidence is limited at this time, the clinical significance of this alteration remains unclear.

NM_001376.5(DYNC1H1):c.8461C>G (p.Leu2821Val)

Gene: DYNC1H1 (dynein cytoplasmic 1 heavy chain 1; plus strand). Cytogenetic location: 14q32.31.
Variant type: single nucleotide variant.
Coding change: c.8461C>G on transcript NM_001376.5 (MANE Select); coding-DNA position 8461, C replaced by G.
Protein change: p.Leu2821Val; replaces leucine 2821 with valine.
Molecular consequence: missense variant.
Genome position (GRCh38, 1-based): chr14:102,020,010, C>G. VCF-style: chr14-102020010-C-G. GRCh37 (hg19) VCF-style: chr14-102486347-C-G.
Other names: short protein forms L2821V.
Identifiers: ClinVar variation 1024077 (VCV001024077.10), dbSNP rs2048366964, ClinGen allele CA391006823.
Genomic context (GRCh38, chr14:102,020,010, plus strand): 5'-AGGTGGGTGAGAGGCATCTTTGAAGCGCTGAGACCTCTGGAGACCCTGCCTGTTGAAGGC[C>G]TCATTCGGATTTGGGCACATGAAGCTCTGCGTCTCTTCCAAGATAGGTAAGGGAAGCCGA-3'
Protein context (NP_001367.2, residues 2811-2831): RPLETLPVEG[Leu2821Val]IRIWAHEALR